The following is an entry in ClinVar:

NM_000548.5(TSC2):c.4322C>T (p.Pro1441Leu)

Gene: TSC2 (TSC complex subunit 2; plus strand). Cytogenetic location: 16p13.3.
Variant type: single nucleotide variant.
Coding change: c.4322C>T on transcript NM_000548.5 (MANE Select); coding-DNA position 4322, C replaced by T.
Protein change: p.Pro1441Leu; replaces proline 1441 with leucine.
Molecular consequence: missense variant.
Genome position (GRCh38, 1-based): chr16:2,084,544, C>T. VCF-style: chr16-2084544-C-T. GRCh37 (hg19) VCF-style: chr16-2134545-C-T.
Other names: c.4121C>T, p.Pro1374Leu (NM_001077183.3); c.4253C>T, p.Pro1418Leu (NM_001114382.3); c.4013C>T, p.Pro1338Leu (NM_001318827.2); c.3977C>T, p.Pro1326Leu (NM_001318829.2); c.3590C>T, p.Pro1197Leu (NM_001318831.2); c.4154C>T, p.Pro1385Leu (NM_001318832.2); c.4124C>T, p.Pro1375Leu (NM_001363528.2); c.4190C>T, p.Pro1397Leu (NM_001370404.1); and 1 more; short protein forms P1374L, P1397L, P1441L, P1197L, P1338L, P1398L, P1418L, P1326L.
Identifiers: ClinVar variation 968906 (VCV000968906.9), dbSNP rs2090520912, ClinGen allele CA394301335.

ClinVar aggregate classification (germline): Uncertain significance (1 of 4 stars; one submission).

Conditions:
Tuberous sclerosis 2 (TSC2). Identifiers: Orphanet 805, MedGen C1860707, MONDO:0013199, OMIM 613254.

Submission:

Labcorp Genetics (formerly Invitae), Labcorp
Classification: Uncertain significance for Tuberous sclerosis 2. Last evaluated: 2019-10-23. Review status: criteria provided, single submitter. Criteria: Invitae Variant Classification Sherloc (09022015). Collection method: clinical testing. Allele origin: germline.
Comment: This sequence change replaces proline with leucine at codon 1441 of the TSC2 protein (p.Pro1441Leu). The proline residue is moderately conserved and there is a moderate physicochemical difference between proline and leucine. This variant is not present in population databases (ExAC no frequency). This variant has not been reported in the literature in individuals with TSC2-related conditions. Algorithms developed to predict the effect of missense changes on protein structure and function (SIFT, PolyPhen-2, Align-GVGD) all suggest that this variant is likely to be tolerated, but these predictions have not been confirmed by published functional studies and their clinical significance is uncertain. In summary, the available evidence is currently insufficient to determine the role of this variant in disease. Therefore, it has been classified as a Variant of Uncertain Significance.